The following is an entry in ClinVar:

NM_052876.4(NACC1):c.346G>T (p.Gly116Cys)

Gene: NACC1 (nucleus accumbens associated 1; plus strand). Cytogenetic location: 19p13.13.
Variant type: single nucleotide variant.
Coding change: c.346G>T on transcript NM_052876.4 (MANE Select); coding-DNA position 346, G replaced by T.
Protein change: p.Gly116Cys; replaces glycine 116 with cysteine.
Molecular consequence: missense variant.
Genome position (GRCh38, 1-based): chr19:13,135,553, G>T. VCF-style: chr19-13135553-G-T. GRCh37 (hg19) VCF-style: chr19-13246367-G-T.
Other names: short protein forms G116C.
Identifiers: ClinVar variation 3029286 (VCV003029286.2), dbSNP rs2513135546, ClinGen allele CA404325169.

ClinVar aggregate classification (germline): Uncertain significance (0 of 4 stars; one submission).

Conditions:
NACC1-related disorder. Also called: NACC1-related condition.

Submission:

PreventionGenetics, part of Exact Sciences
Classification: Uncertain significance for NACC1-related condition. Last evaluated: 2023-12-12. Review status: no assertion criteria provided. Collection method: clinical testing. Allele origin: germline.
Comment: The NACC1 c.346G>T variant is predicted to result in the amino acid substitution p.Gly116Cys. To our knowledge, this variant has not been reported in the literature or in a large population database, indicating this variant is rare. At this time, the clinical significance of this variant is uncertain due to the absence of conclusive functional and genetic evidence.